The following is an entry in ClinVar:

ClinVar aggregate classification (germline): Uncertain significance (1 of 4 stars; one submission).

Conditions:
Autosomal recessive polycystic kidney disease (ARPKD). Also called: AR polycystic kidney disease. Identifiers: Orphanet 731, Orphanet 8378, MedGen C0085548, MeSH D017044, MONDO:0009889.

Allele frequency attached by ClinVar (database versions not stated): gnomAD exomes below 0.00001.
gnomAD v4.1: 1 of 1,609,728 alleles (0.000062%); highest among the groups gnomAD compares: Non-Finnish European, 0.000085%; no homozygotes.

Submission:

Labcorp Genetics (formerly Invitae), Labcorp
Classification: Uncertain significance for Autosomal recessive polycystic kidney disease. Last evaluated: 2015-07-06. Review status: criteria provided, single submitter. Criteria: Invitae Variant Classification Sherloc (09022015). Collection method: clinical testing. Allele origin: germline.
Comment: This sequence change affects codon 2332 of the PKHD1 mRNA. It is a 'silent' change, meaning that it does not change the encoded amino acid sequence of the PKHD1 protein. It also falls at the last nucleotide of exon 43 of the PKHD1 mRNA. This variant has not been published in the literature and is not present in population databases. Algorithms developed to predict the effect of silent changes on mRNA splicing suggest that this variant may alter mRNA splicing, but this prediction has not been confirmed by published transcriptional studies. In summary, this is a novel silent change with uncertain impact on splicing. It has been classified as a Variant of Uncertain Significance.

NM_138694.4(PKHD1):c.6996G>A (p.Glu2332=)

Gene: PKHD1 (PKHD1 ciliary IPT domain containing fibrocystin/polyductin; minus strand). Cytogenetic location: 6p12.2.
Variant type: single nucleotide variant.
Coding change: c.6996G>A on transcript NM_138694.4 (MANE Select); coding-DNA position 6996, G replaced by A.
Protein change: p.Glu2332=; no amino-acid change (glutamic acid 2332 retained).
Molecular consequence: synonymous variant.
Genome position (GRCh38, 1-based): chr6:51,903,597, C>T on the plus strand (G>A on the coding strand, the complement: PKHD1 is on the minus strand). VCF-style: chr6-51903597-C-T. GRCh37 (hg19) VCF-style: chr6-51768395-C-T.
Other names: c.6996G>A, p.Glu2332= (NM_170724.3).
Identifiers: ClinVar variation 219442 (VCV000219442.7), dbSNP rs775831255, ClinGen allele CA350587.
Genomic context (GRCh38, chr6:51,903,597, plus strand): 5'-TTGAGAAAGAACTTTATGCCCTCTCAGTTCTGGTCTTCCTGGTAGAGCTGAACATCTTAC[C>T]TCTATAACATTGGTGGGACTGCAGATATAGATGCCAGATGGTGTCAACATTTCAGGATTG-3'
Protein context (NP_619639.3, residues 2322-2342): IYICSPTNVI[Glu2332=]GNRVCGAGYG